The following is an entry in ClinVar:

ClinVar aggregate classification (germline): Likely pathogenic (1 of 4 stars; one submission).

Conditions:
Pelizaeus-Merzbacher disease. Also called: LEUKODYSTROPHY, HYPOMYELINATING, 1; Sudanophilic leukodystrophy; Pelizaeus-Merzbacher spectrum disorder; Pelizaeus-Merzbacher Disease (PMD); Pelizeaus-Merzbacher spectrum disorder. Identifiers: Orphanet 702, MedGen C0205711, MONDO:0010714, OMIM 312080, HP:0003269.

Submission:

Molecular Diagnostics Lab, Nemours Children's Health, Delaware
Classification: Likely pathogenic for Pelizaeus-Merzbacher disease. Last evaluated: 2021-11-24. Review status: criteria provided, single submitter. Criteria: ACMG Guidelines, 2015. Collection method: clinical testing. Allele origin: maternal, unknown. Inheritance: X-linked inheritance. Affected: no and yes. Observed: 4 heterozygotes, 3 hemizygotes.
Comment: This nonsense variant (c.430A>T, p.Lys144*) has not been observed in population databases (gnomAD). It has been described in the literature, and functional studies indicate a shift in the pattern of alternative splicing away from PLP1 and absence of full length PLP protein (PMID 30195779).

Literature cited by the submitters: PubMed 30195779.

NM_000533.5(PLP1):c.430A>T (p.Lys144Ter)

Genes: PLP1 (proteolipid protein 1; plus strand), RAB9B (RAB9B, member RAS oncogene family; minus strand). Cytogenetic location: Xq22.2.
Variant type: single nucleotide variant.
Coding change: c.430A>T on transcript NM_000533.5 (MANE Select); coding-DNA position 430, A replaced by T.
Protein change: p.Lys144Ter; replaces lysine 144 with a stop codon.
Molecular consequence: nonsense. On other transcripts: intron variant (1).
Genome position (GRCh38, 1-based): chrX:103,786,703, A>T. VCF-style: chrX-103786703-A-T. GRCh37 (hg19) VCF-style: chrX-103041632-A-T.
Other names: c.430A>T, p.Lys144Ter (NM_001128834.3); c.265A>T, p.Lys89Ter (NM_001305004.1); c.348+82A>T (NM_199478.3); short protein forms K144*, K89*.
Identifiers: ClinVar variation 3255427 (VCV003255427.2), dbSNP rs1013902509.